The following is an entry in ClinVar:

ClinVar aggregate classification (germline): Likely benign. Review status: criteria provided, multiple submitters, no conflicts (2 of 4 stars). 3 submissions from 3 submitters: Likely benign (2). 1 of the submissions does not count toward it. Last evaluated 2025-12-22.

Conditions:
ABCA4-related disorder. Also called: ABCA4-related disorders; ABCA4-related condition. Identifiers: MedGen CN239167.

Allele frequency attached by ClinVar (database versions not stated): gnomAD exomes 0.00001 and 0.00006; ExAC 0.00007; ESP Exome Variant Server 0.00008; gnomAD 0.00017 and 0.00019; TOPMed 0.00021.
gnomAD v4.1: 49 of 1,614,044 alleles (0.003%); highest among the groups gnomAD compares: African/African-American, 0.049%; no homozygotes.

Submissions (3):

Labcorp Genetics (formerly Invitae), Labcorp
Classification: Likely benign. Last evaluated: 2025-12-22. Review status: criteria provided, single submitter. Criteria: Invitae Variant Classification Sherloc (09022015). Collection method: clinical testing. Allele origin: germline.

Blueprint Genetics
Classification: Likely benign. Last evaluated: 2024-02-19. Review status: criteria provided, single submitter. Criteria: ACMG Guidelines, 2015. Collection method: clinical testing. Allele origin: germline.

PreventionGenetics, part of Exact Sciences
Classification: Likely benign for ABCA4-related condition. Last evaluated: 2019-06-05. Review status: no assertion criteria provided. Collection method: clinical testing. Allele origin: germline. Not counted in ClinVar's aggregate classification.
Comment: This variant is classified as likely benign based on ACMG/AMP sequence variant interpretation guidelines (Richards et al. 2015 PMID: 25741868, with internal and published modifications).

NM_000350.3(ABCA4):c.6333C>T (p.Asn2111=)

Gene: ABCA4 (ATP binding cassette subfamily A member 4; minus strand). Cytogenetic location: 1p22.1.
Variant type: single nucleotide variant.
Coding change: c.6333C>T on transcript NM_000350.3 (MANE Select); coding-DNA position 6333, C replaced by T.
Protein change: p.Asn2111=; no amino-acid change (asparagine 2111 retained).
Molecular consequence: synonymous variant.
Genome position (GRCh38, 1-based): chr1:94,001,055, G>A on the plus strand (C>T on the coding strand, the complement: ABCA4 is on the minus strand). VCF-style: chr1-94001055-G-A. GRCh37 (hg19) VCF-style: chr1-94466611-G-A.
Other names: c.6111C>T, p.Asn2037= (NM_001425324.1).
Identifiers: ClinVar variation 1660443 (VCV001660443.11), dbSNP rs371572812, ClinGen allele CA956904.